The following is an entry in ClinVar:

NM_001126128.2(PROK2):c.301C>T (p.Arg101Trp)

Gene: PROK2 (prokineticin 2; minus strand). Cytogenetic location: 3p13.
Variant type: single nucleotide variant.
Coding change: c.301C>T on transcript NM_001126128.2 (MANE Select); coding-DNA position 301, C replaced by T.
Protein change: p.Arg101Trp; replaces arginine 101 with tryptophan.
Molecular consequence: missense variant.
Genome position (GRCh38, 1-based): chr3:71,772,813, G>A on the plus strand (C>T on the coding strand, the complement: PROK2 is on the minus strand). VCF-style: chr3-71772813-G-A. GRCh37 (hg19) VCF-style: chr3-71821964-G-A.
Other names: c.238C>T, p.Arg80Trp (NM_021935.4); short protein forms R101W, R80W.
Identifiers: ClinVar variation 1303091 (VCV001303091.7), dbSNP rs144953748, ClinGen allele CA2491963.

ClinVar aggregate classification (germline): Uncertain significance. Review status: criteria provided, multiple submitters, no conflicts (2 of 4 stars). 3 submissions from 3 submitters: Uncertain significance (3). Last evaluated 2025-02-24.

Conditions:
PROK2-related disorder. Also called: PROK2-related condition.

Allele frequency attached by ClinVar (database versions not stated): ESP Exome Variant Server 0.00008; gnomAD 0.00009; gnomAD exomes 0.00009 and 0.00013; TOPMed 0.00009; ExAC 0.00013; 1000 Genomes Project 30x 0.00016; 1000 Genomes Project 0.00020.
gnomAD v4.1: 156 of 1,614,010 alleles (0.0097%); highest among the groups gnomAD compares: South Asian, 0.056%; no homozygotes.

Submissions (3):

PreventionGenetics, part of Exact Sciences
Classification: Uncertain significance for PROK2-related condition. Last evaluated: 2025-02-24. Review status: criteria provided, single submitter. Criteria: ACMG Guidelines, 2015. Collection method: clinical testing. Allele origin: germline.
Comment: The PROK2 c.301C>T variant is predicted to result in the amino acid substitution p.Arg101Trp. This variant has been reported in individuals with Kallmann syndrome/hypogonadotropic hypogonadism (see, for example, Sarfati et al. 2013. PubMed ID: 24031091; Brauner et al. 2021. PubMed ID: 34055685; Table S2, Federici et al. 2022. PubMed ID: 36531499). This variant is reported in 0.059% of alleles in individuals of South Asian descent in gnomAD, which may be too common to be a primary cause of disease. Although we suspect that this variant may be benign, at this time, the clinical significance of this variant is uncertain due to the absence of conclusive functional and genetic evidence.

Labcorp Genetics (formerly Invitae), Labcorp
Classification: Uncertain significance. Last evaluated: 2024-10-25. Review status: criteria provided, single submitter. Criteria: Invitae Variant Classification Sherloc (09022015). Collection method: clinical testing. Allele origin: germline.
Comment: This sequence change replaces arginine, which is basic and polar, with tryptophan, which is neutral and slightly polar, at codon 101 of the PROK2 protein (p.Arg101Trp). This variant is present in population databases (rs144953748, gnomAD 0.06%). This missense change has been observed in individuals with clinical features of PROK2-related conditions and/or Kallman syndrome (PMID: 24031091, 36138264, 36531499). This variant is also known as c.238C>T, p.Arg80Trp. ClinVar contains an entry for this variant (Variation ID: 1303091). An algorithm developed to predict the effect of missense changes on protein structure and function (PolyPhen-2) suggests that this variant is likely to be disruptive. Algorithms developed to predict the effect of sequence changes on RNA splicing suggest that this variant may disrupt the consensus splice site. In summary, the available evidence is currently insufficient to determine the role of this variant in disease. Therefore, it has been classified as a Variant of Uncertain Significance.

GeneDx
Classification: Uncertain significance. Last evaluated: 2019-12-09. Review status: criteria provided, single submitter. Criteria: GeneDx Variant Classification Process June 2021. Collection method: clinical testing. Allele origin: germline. Affected: yes.
Comment: In silico analysis, which includes protein predictors and evolutionary conservation, supports a deleterious effect; This variant is associated with the following publications: (PMID: 24031091, 25531638)

Literature cited by the submitters: PubMed 24031091 (cited by Labcorp Genetics (formerly Invitae), Labcorp); PubMed 36138264 (cited by Labcorp Genetics (formerly Invitae), Labcorp); PubMed 36531499 (cited by Labcorp Genetics (formerly Invitae), Labcorp).